The following is an entry in ClinVar:

ClinVar aggregate classification (germline): Uncertain significance. Review status: criteria provided, multiple submitters, no conflicts (2 of 4 stars). 2 submissions from 2 submitters: Uncertain significance (2). Last evaluated 2023-07-17.

Conditions:
Chédiak-Higashi syndrome (CHS). Also called: Chediak-Higashi Syndrome. Identifiers: Orphanet 167, MedGen C0007965, MONDO:0008963, OMIM 214500.

Submissions (2):

Mayo Clinic Laboratories, Mayo Clinic
Classification: Uncertain significance. Last evaluated: 2023-07-17. Review status: criteria provided, single submitter. Criteria: ACMG Guidelines, 2015. Collection method: clinical testing. Allele origin: germline. Observed: 1 variant allele.
Comment: PM2_moderate

Revvity Omics, Revvity
Classification: Uncertain significance for Chédiak-Higashi syndrome. Last evaluated: 2019-08-14. Review status: criteria provided, single submitter. Criteria: ACMG Guidelines, 2015. Collection method: clinical testing. Allele origin: germline.

NM_000081.4(LYST):c.2745delinsGGCC (p.Ser915_Asp916insAla)

Gene: LYST (lysosomal trafficking regulator; minus strand). Cytogenetic location: 1q42.3.
Variant type: Indel.
Coding change: c.2745delinsGGCC on transcript NM_000081.4 (MANE Select); coding-DNA position 2745, T replaced by GGCC.
Protein change: p.Ser915_Asp916insAla.
Molecular consequence: inframe insertion. On other transcripts: inframe indel (1).
Genome position (GRCh38, 1-based): chr1:235,806,391, A replaced by GGCC on the plus strand (T replaced by GGCC on the coding strand, the reverse complement: LYST is on the minus strand). VCF-style: chr1-235806391-A-GGCC. GRCh37 (hg19) VCF-style: chr1-235969691-A-GGCC.
Other names: p.Ser915_Asp916insAla; c.2745delTinsGGCC, p.Ser915_Asp916insAla (NM_000081.3); c.2745delinsGGCC, p.Ser915_Asp916insAla (NM_001301365.1).
Identifiers: ClinVar variation 2433550 (VCV002433550.4), dbSNP rs2527080693, ClinGen allele CA2580062472.